The following is an entry in ClinVar:

ClinVar aggregate classification (germline): Pathogenic/Likely pathogenic. Review status: criteria provided, multiple submitters, no conflicts (2 of 4 stars). 2 submissions from 2 submitters: Pathogenic (1); Likely pathogenic (1). Last evaluated 2025-08-12.

Conditions:
Juvenile polyposis syndrome (JPS). Identifiers: Orphanet 2929, MedGen C0345893, MONDO:0017380, OMIM 174900.

Submissions (2):

Mayo Clinic Laboratories, Mayo Clinic
Classification: Likely pathogenic. Last evaluated: 2025-08-12. Review status: criteria provided, single submitter. Criteria: ACMG Guidelines, 2015. Collection method: clinical testing. Allele origin: germline. Observed: 1 variant allele.
Comment: PM2_supporting, PVS1

Labcorp Genetics (formerly Invitae), Labcorp
Classification: Pathogenic for Juvenile polyposis syndrome. Last evaluated: 2023-11-24. Review status: criteria provided, single submitter. Criteria: Invitae Variant Classification Sherloc (09022015). Collection method: clinical testing. Allele origin: germline.
Comment: This sequence change creates a premature translational stop signal (p.His427Ilefs*9) in the SMAD4 gene. It is expected to result in an absent or disrupted protein product. Loss-of-function variants in SMAD4 are known to be pathogenic (PMID: 16152648, 16436638, 22810475). This variant is not present in population databases (gnomAD no frequency). This variant has not been reported in the literature in individuals affected with SMAD4-related conditions. For these reasons, this variant has been classified as Pathogenic.

Literature cited by the submitters: PubMed 16152648 (cited by Mayo Clinic Laboratories, Mayo Clinic and Labcorp Genetics (formerly Invitae), Labcorp); PubMed 16436638 (cited by Mayo Clinic Laboratories, Mayo Clinic and Labcorp Genetics (formerly Invitae), Labcorp); PubMed 22158539 (cited by Mayo Clinic Laboratories, Mayo Clinic); PubMed 22810475 (cited by Labcorp Genetics (formerly Invitae), Labcorp).

NM_005359.6(SMAD4):c.1278del (p.His427fs)

Gene: SMAD4 (SMAD family member 4; plus strand). Cytogenetic location: 18q21.2.
Variant type: Deletion.
Coding change: c.1278del on transcript NM_005359.6 (MANE Select); coding-DNA position 1278, one base deleted (T; older notation c.1278delT).
Protein change: p.His427fs; shifts the reading frame from histidine 427.
Molecular consequence: frameshift variant. On other transcripts: non-coding transcript variant (1).
Genome position (GRCh38, 1-based): chr18:51,067,157, T deleted; the last of 2 consecutive T bases (chr18:51,067,156-51,067,157); deleting either gives the same sequence. VCF-style (leftmost placement, unchanged base first): chr18-51067155-GT-G. GRCh37 (hg19) VCF-style: chr18-48593525-GT-G.
Other names: p.His427Ilefs*9; c.1278del, p.His427fs (NM_001407041.1, NM_001407042.1); short protein forms H427fs.
Identifiers: ClinVar variation 2698415 (VCV002698415.4), dbSNP rs2511384799, ClinGen allele CA2697555509.